The following is an entry in ClinVar:

ClinVar aggregate classification (germline): Pathogenic. Review status: criteria provided, multiple submitters, no conflicts (2 of 4 stars). 3 submissions from 3 submitters: Pathogenic (3). Last evaluated 2026-09-08.

Conditions:
Fabry disease. Also called: ALPHA-GALACTOSIDASE A DEFICIENCY; CERAMIDE TRIHEXOSIDASE DEFICIENCY; GLA DEFICIENCY; HEREDITARY DYSTOPIC LIPIDOSIS; Angiokeratoma corporis diffusum; Fabry's disease. Identifiers: Orphanet 324, MedGen C0002986, MONDO:0010526, OMIM 301500, HP:0001071. Disease mechanism: loss of function, Fabry disease is due to inactivating mutations in the X-linked GLA gene resulting in deficiency of the enzyme Alpha Galactosidase-A..

Submissions (3):

Genomenon, Inc
Classification: Pathogenic for Fabry disease. Last evaluated: 2026-09-08. Review status: criteria provided, single submitter. Criteria: Genomenon Sequence Variant Interpretation Standards - Updated. Collection method: curation. Allele origin: germline. Affected: yes.
Comment: GLA p.Gly261Asp (c.782G>A) is a missense variant that changes the amino acid at codon 261 from Glycine to Aspartic acid. This variant has been observed in at least one proband with clinical features consistent with Fabry disease (PMID:36595126;36383556;25900714;9105656;29853467;32797665;39609713;11531969;11322659;17224688;27657681;27992580). The variant was found to segregate with disease in at least one affected family (PMID:36383556). At least one functional study has demonstrated a substantial alteration in protein function relative to the wild-type (PMID:27657681). This variant is located in a mutational hotspot and/or important functional domain. It is absent or not present at a significant frequency in gnomAD. In silico models predict that this variant is possibly or probably damaging. In conclusion, we classify GLA p.Gly261Asp (c.782G>A) as a pathogenic variant.

Labcorp Genetics (formerly Invitae), Labcorp
Classification: Pathogenic for Fabry disease. Last evaluated: 2025-02-09. Review status: criteria provided, single submitter. Criteria: Invitae Variant Classification Sherloc (09022015). Collection method: clinical testing. Allele origin: germline.
Comment: This sequence change replaces glycine, which is neutral and non-polar, with aspartic acid, which is acidic and polar, at codon 261 of the GLA protein (p.Gly261Asp). This variant is not present in population databases (gnomAD no frequency). This missense change has been observed in individual(s) with Fabry disease (PMID: 9105656, 11322659, 11531969, 32797665). ClinVar contains an entry for this variant (Variation ID: 977728). Invitae Evidence Modeling of protein sequence and biophysical properties (such as structural, functional, and spatial information, amino acid conservation, physicochemical variation, residue mobility, and thermodynamic stability) indicates that this missense variant is expected to disrupt GLA protein function with a positive predictive value of 80%. This variant disrupts the p.Gly261 amino acid residue in GLA. Other variant(s) that disrupt this residue have been determined to be pathogenic (PMID: 23935525, 29491734; internal data). This suggests that this residue is clinically significant, and that variants that disrupt this residue are likely to be disease-causing. For these reasons, this variant has been classified as Pathogenic.

Women's Health and Genetics/Laboratory Corporation of America, LabCorp
Classification: Pathogenic for Fabry disease. Last evaluated: 2020-08-04. Review status: criteria provided, single submitter. Criteria: LabCorp Variant Classification Summary - May 2015. Collection method: clinical testing. Allele origin: germline.
Comment: Variant summary: GLA c.782G>A (p.Gly261Asp) results in a non-conservative amino acid change in the encoded protein sequence. Four of five in-silico tools predict a damaging effect of the variant on protein function. The variant was absent in 183472 control chromosomes. c.782G>A has been reported in the literature in individuals affected with Classic/severe/renal manifestations of Fabry Disease and subsequently cited by others (example, Takata_1997, Altarescu_2001, Ashley_2001, Branton_2002, Garman_2002). These data indicate that the variant is likely to be associated with disease. Several publications report experimental evidence evaluating an impact on protein function. The most pronounced variant effect results in <10% of normal activity and no response to the pharmacological chaperone 1- deoxygalactonojirimycin (DGJ) (example, Takata_1997, Shin_2008). No clinical diagnostic laboratories have submitted clinical-significance assessments for this variant to ClinVar after 2014, however the Fabry disease database cites at-least six records of this variant in patients citing overlapping evidence utilized in the context of this evaluation. Based on the evidence outlined above, the variant was classified as pathogenic.

Literature cited by the submitters: PubMed 36595126 (cited by Genomenon, Inc); PubMed 36383556 (cited by Genomenon, Inc); PubMed 25900714 (cited by Genomenon, Inc); PubMed 9105656 (cited by 3 submitters); PubMed 29853467 (cited by Genomenon, Inc); PubMed 32797665 (cited by Genomenon, Inc and Labcorp Genetics (formerly Invitae), Labcorp); PubMed 39609713 (cited by Genomenon, Inc); PubMed 11531969 (cited by 3 submitters); PubMed 11322659 (cited by 3 submitters); PubMed 17224688 (cited by Genomenon, Inc); PubMed 27657681 (cited by Genomenon, Inc); PubMed 27992580 (cited by Genomenon, Inc); PubMed 23935525 (cited by Labcorp Genetics (formerly Invitae), Labcorp); PubMed 29491734 (cited by Labcorp Genetics (formerly Invitae), Labcorp); PubMed 18698230 (cited by Women's Health and Genetics/Laboratory Corporation of America, LabCorp); PubMed 25382311 (cited by Women's Health and Genetics/Laboratory Corporation of America, LabCorp); PubMed 12359124 (cited by Women's Health and Genetics/Laboratory Corporation of America, LabCorp); PubMed 12068026 (cited by Women's Health and Genetics/Laboratory Corporation of America, LabCorp).

NM_000169.3(GLA):c.782G>A (p.Gly261Asp)

Genes: GLA (galactosidase alpha; minus strand), RPL36A-HNRNPH2 (RPL36A-HNRNPH2 readthrough; plus strand). Cytogenetic location: Xq22.1.
Variant type: single nucleotide variant.
Coding change: c.782G>A on transcript NM_000169.3 (MANE Select); coding-DNA position 782, G replaced by A.
Protein change: p.Gly261Asp; replaces glycine 261 with aspartic acid.
Molecular consequence: missense variant. On other transcripts: non-coding transcript variant (3), intron variant (2).
Genome position (GRCh38, 1-based): chrX:101,398,804, C>T on the plus strand (G>A on the coding strand, the complement: GLA is on the minus strand). VCF-style: chrX-101398804-C-T. GRCh37 (hg19) VCF-style: chrX-100653792-C-T.
Other names: c.905G>A, p.Gly302Asp (NM_001406747.1); c.782G>A, p.Gly261Asp (NM_001406748.1); c.300+3347C>T (NM_001199973.2); c.177+6982C>T (NM_001199974.2); short protein forms G261D, G302D.
Identifiers: ClinVar variation 977728 (VCV000977728.9), dbSNP rs869312401, ClinGen allele CA413923937.
Genomic context (GRCh38, chrX:101,398,804, plus strand): 5'-CCTACCGCAGGGTCTTGAACAAGGAGGGCTCAAGTTTTTACCATATCTGGGTCATTCCAA[C>T]CCCCTGGTCCAGCAACATCAACAATTCTCTCCTGGTTAAAAGATGTCCAGTCCAAGATAC-3'
Protein context (NP_000160.1, residues 251-271): ERIVDVAGPG[Gly261Asp]WNDPDMLVIG